The following is an entry in ClinVar:

ClinVar aggregate classification (germline): Uncertain significance. Review status: criteria provided, multiple submitters, no conflicts (2 of 4 stars). 2 submissions from 2 submitters: Uncertain significance (2). Last evaluated 2025-09-26.

Conditions:
Hereditary nonpolyposis colorectal neoplasms. Identifiers: MedGen C0009405, MeSH D003123.
Hereditary cancer-predisposing syndrome. Also called: Hereditary Cancer Syndrome; Hereditary neoplastic syndrome; Neoplastic Syndromes, Hereditary; Tumor predisposition. Identifiers: Orphanet 140162, MedGen C0027672, MeSH D009386, MONDO:0015356.

Allele frequency attached by ClinVar (database versions not stated): TOPMed below 0.00001.

Submissions (2):

Ambry Genetics
Classification: Uncertain significance for Hereditary cancer-predisposing syndrome. Last evaluated: 2025-09-26. Review status: criteria provided, single submitter. Criteria: Ambry Variant Classification Scheme 2023. Collection method: clinical testing. Allele origin: germline.
Comment: The p.Y1256C variant (also known as c.3767A>G), located in coding exon 8 of the MSH6 gene, results from an A to G substitution at nucleotide position 3767. The tyrosine at codon 1256 is replaced by cysteine, an amino acid with highly dissimilar properties. This amino acid position is conserved. In addition, this alteration is predicted to be deleterious by in silico analysis. Based on the available evidence, the clinical significance of this variant remains unclear.

Labcorp Genetics (formerly Invitae), Labcorp
Classification: Uncertain significance for Hereditary nonpolyposis colorectal neoplasms. Last evaluated: 2025-07-06. Review status: criteria provided, single submitter. Criteria: Invitae Variant Classification Sherloc (09022015). Collection method: clinical testing. Allele origin: germline.
Comment: This sequence change replaces tyrosine, which is neutral and polar, with cysteine, which is neutral and slightly polar, at codon 1256 of the MSH6 protein (p.Tyr1256Cys). This variant is not present in population databases (gnomAD no frequency). This variant has not been reported in the literature in individuals affected with MSH6-related conditions. ClinVar contains an entry for this variant (Variation ID: 455284). Invitae Evidence Modeling of protein sequence and biophysical properties (such as structural, functional, and spatial information, amino acid conservation, physicochemical variation, residue mobility, and thermodynamic stability) has been performed for this missense variant. However, the output from this modeling did not meet the statistical confidence thresholds required to predict the impact of this variant on MSH6 protein function. In summary, the available evidence is currently insufficient to determine the role of this variant in disease. Therefore, it has been classified as a Variant of Uncertain Significance.

NM_000179.3(MSH6):c.3767A>G (p.Tyr1256Cys)

Gene: MSH6 (mutS homolog 6; plus strand). Cytogenetic location: 2p16.3.
Variant type: single nucleotide variant.
Coding change: c.3767A>G on transcript NM_000179.3 (MANE Select); coding-DNA position 3767, A replaced by G.
Protein change: p.Tyr1256Cys; replaces tyrosine 1256 with cysteine.
Molecular consequence: missense variant.
Genome position (GRCh38, 1-based): chr2:47,806,324, A>G. VCF-style: chr2-47806324-A-G. GRCh37 (hg19) VCF-style: chr2-48033463-A-G.
Other names: c.3377A>G, p.Tyr1126Cys (NM_001281492.2); c.2861A>G, p.Tyr954Cys (NM_001281493.2, NM_001281494.2); short protein forms Y1256C, Y954C, Y1126C.
Identifiers: ClinVar variation 455284 (VCV000455284.10), dbSNP rs761643896, ClinGen allele CA346761118.